The following is an entry in ClinVar:

NM_000404.4(GLB1):c.1143+1G>T

Gene: GLB1 (galactosidase beta 1; minus strand). Cytogenetic location: 3p22.3.
Variant type: single nucleotide variant.
Coding change: c.1143+1G>T on transcript NM_000404.4 (MANE Select); the canonical splice donor site of the intron after coding-DNA position 1143, G replaced by T.
Molecular consequence: splice donor variant.
Genome position (GRCh38, 1-based): chr3:33,024,250, C>A on the plus strand (G>T on the coding strand, the complement: GLB1 is on the minus strand). VCF-style: chr3-33024250-C-A. GRCh37 (hg19) VCF-style: chr3-33065742-C-A.
Other names: c.1143+1G>T (NM_001393580.1); c.750+1G>T (NM_001135602.3); c.1287+1G>T (NM_001317040.2); c.1053+1G>T (NM_001079811.3).
Identifiers: ClinVar variation 3761539 (VCV003761539.2).

ClinVar aggregate classification (germline): Likely pathogenic (1 of 4 stars; one submission).

Conditions:
Mucopolysaccharidosis, MPS-IV-B (MPS4B). Also called: MORQUIO SYNDROME B; Mucopolysaccharidosis type IV B; Mucopolysaccharidosis Type IVB; Mucopolysaccharidosis type 4B; Mucopolysaccharidosis Type IVB (Morquio B Disease); Mucopolysaccharidosis type IVB (Morquio). Identifiers: Orphanet 309310, Orphanet 582, MedGen C0086652, MONDO:0009660, OMIM 253010.
GM1 gangliosidosis. Identifiers: Orphanet 354, MedGen C0085131, MONDO:0018149.

Submission:

Labcorp Genetics (formerly Invitae), Labcorp
Classification: Likely pathogenic for Mucopolysaccharidosis, MPS-IV-B; GM1 gangliosidosis. Last evaluated: 2024-02-22. Review status: criteria provided, single submitter. Criteria: Invitae Variant Classification Sherloc (09022015). Collection method: clinical testing. Allele origin: germline.
Comment: This sequence change affects a donor splice site in intron 11 of the GLB1 gene. It is expected to disrupt RNA splicing. Variants that disrupt the donor or acceptor splice site typically lead to a loss of protein function (PMID: 16199547), and loss-of-function variants in GLB1 are known to be pathogenic (PMID: 18524657). This variant is not present in population databases (gnomAD no frequency). This variant has not been reported in the literature in individuals affected with GLB1-related conditions. Algorithms developed to predict the effect of sequence changes on RNA splicing suggest that this variant may disrupt the consensus splice site. In summary, the currently available evidence indicates that the variant is pathogenic, but additional data are needed to prove that conclusively. Therefore, this variant has been classified as Likely Pathogenic.

Literature cited by the submitters: PubMed 16199547; PubMed 18524657.